The following is an entry in ClinVar:

NM_000551.4(VHL):c.164A>G (p.Glu55Gly)

Gene: VHL (von Hippel-Lindau tumor suppressor; plus strand). Cytogenetic location: 3p25.3.
Variant type: single nucleotide variant.
Coding change: c.164A>G on transcript NM_000551.4 (MANE Select); coding-DNA position 164, A replaced by G.
Protein change: p.Glu55Gly; replaces glutamic acid 55 with glycine.
Molecular consequence: missense variant.
Genome position (GRCh38, 1-based): chr3:10,142,011, A>G. VCF-style: chr3-10142011-A-G. GRCh37 (hg19) VCF-style: chr3-10183695-A-G.
Other names: c.164A>G, p.Glu55Gly (NM_001354723.2, NM_198156.3); short protein forms E55G.
Identifiers: ClinVar variation 574726 (VCV000574726.10), dbSNP rs1328776664, ClinGen allele CA351748514.

ClinVar aggregate classification (germline): Conflicting classifications of pathogenicity. Review status: criteria provided, conflicting classifications (1 of 4 stars). 2 submissions from 2 submitters: Uncertain significance (1); Benign (1). Last evaluated 2025-07-25.

Conditions:
Chuvash polycythemia. Also called: POLYCYTHEMIA, VHL-DEPENDENT. Identifiers: Orphanet 238557, MedGen C1837915, MONDO:0009892, OMIM 263400.
Von Hippel-Lindau syndrome (VHLS). Also called: VHL syndrome; Von Hippel-Lindau; von Hippel–Lindau syndrome. Identifiers: Orphanet 892, MedGen C0019562, MONDO:0008667, OMIM 193300. Disease mechanism: loss of function.
Hereditary cancer-predisposing syndrome. Also called: Hereditary neoplastic syndrome; Neoplastic Syndromes, Hereditary; Hereditary Cancer Syndrome; Tumor predisposition. Identifiers: Orphanet 140162, MedGen C0027672, MeSH D009386, MONDO:0015356.

Submissions (2):

Ambry Genetics
Classification: Benign for Hereditary cancer-predisposing syndrome. Last evaluated: 2025-07-25. Review status: criteria provided, single submitter. Criteria: Ambry Variant Classification Scheme 2023. Collection method: clinical testing. Allele origin: germline.

Labcorp Genetics (formerly Invitae), Labcorp
Classification: Uncertain significance for Von Hippel-Lindau syndrome; Chuvash polycythemia. Last evaluated: 2018-05-22. Review status: criteria provided, single submitter. Criteria: Invitae Variant Classification Sherloc (09022015). Collection method: clinical testing. Allele origin: germline.
Comment: This variant is not present in population databases (ExAC no frequency). This sequence change replaces glutamic acid with glycine at codon 55 of the VHL protein (p.Glu55Gly). The glutamic acid residue is moderately conserved and there is a moderate physicochemical difference between glutamic acid and glycine. This variant has not been reported in the literature in individuals with VHL-related disease. Algorithms developed to predict the effect of missense changes on protein structure and function output the following: SIFT: "Deleterious"; PolyPhen-2: "Benign"; Align-GVGD: "Class C0". The glycine amino acid residue is found in multiple mammalian species, suggesting that this missense change does not adversely affect protein function. These predictions have not been confirmed by published functional studies and their clinical significance is uncertain. In summary, the available evidence is currently insufficient to determine the role of this variant in disease. Therefore, it has been classified as a Variant of Uncertain Significance.